The following is an entry in ClinVar:

NM_001395159.1(UNC79):c.1775A>G (p.Lys592Arg)

Gene: UNC79 (unc-79 subunit of NALCN channel complex; plus strand). Cytogenetic location: 14q32.12.
Variant type: single nucleotide variant.
Coding change: c.1775A>G on transcript NM_001395159.1 (MANE Select); coding-DNA position 1775, A replaced by G.
Protein change: p.Lys592Arg; replaces lysine 592 with arginine.
Molecular consequence: missense variant.
Genome position (GRCh38, 1-based): chr14:93,571,913, A>G. VCF-style: chr14-93571913-A-G. GRCh37 (hg19) VCF-style: chr14-94038259-A-G.
Other names: c.1775A>G, p.Lys592Arg (NM_001346218.2); c.1244A>G, p.Lys415Arg (NM_020818.5); short protein forms K415R, K592R.
Identifiers: ClinVar variation 5042015 (VCV005042015.1).

ClinVar aggregate classification (germline): Uncertain significance (1 of 4 stars; one submission).

gnomAD v4.1: 1 of 1,613,982 alleles (0.000062%); highest among the groups gnomAD compares: Non-Finnish European, 0.000085%; no homozygotes.

Submission:

Clinical Genetics Laboratory, University Hospital Schleswig-Holstein
Classification: Uncertain significance. Last evaluated: 2025-02-04. Review status: criteria provided, single submitter. Criteria: ACMG Guidelines, 2015. Collection method: clinical testing. Allele origin: germline. Observed: 1 heterozygote.
Comment: ACMG criteria applied: PM2, PP2

Literature cited by the submitters: PubMed 37183800.